The following is an entry in ClinVar:

ClinVar aggregate classification (germline): Likely pathogenic (1 of 4 stars; one submission).

Conditions:
Ehlers-Danlos syndrome, type 4 (EDSVASC). Also called: Ehlers-Danlos syndrome vascular type; Ehlers Danlos syndrome, ecchymotic type; Ehlers Danlos syndrome, arterial type; Ehlers Danlos syndrome, Sack-Barabas type; Ehlers-Danlos Syndrome Type IV. Identifiers: Orphanet 286, MedGen C0268338, MONDO:0017314, OMIM 130050.

Submission:

Labcorp Genetics (formerly Invitae), Labcorp
Classification: Likely pathogenic for Ehlers-Danlos syndrome, type 4. Last evaluated: 2019-10-23. Review status: criteria provided, single submitter. Criteria: Invitae Variant Classification Sherloc (09022015). Collection method: clinical testing. Allele origin: germline.
Comment: This sequence change replaces glycine with aspartic acid at codon 909 of the COL3A1 protein (p.Gly909Asp). The glycine residue is moderately conserved and there is a moderate physicochemical difference between glycine and aspartic acid. This variant is not present in population databases (ExAC no frequency). This variant has been observed in an individual affected with Ehlers-Danlos syndrome type IV (PMID: 8680408). This variant is also known as Gly742Asp in the literature. Glycine residues within the Gly-Xaa-Yaa repeats of the triple helix domain are required for the structure and stability of fibrillar collagens (PMID: 7695699, 8218237, 19344236). In COL3A1, variants that affect these glycine residues are significantly enriched in individuals with disease (PMID: 24922459, 25758994) compared to the general population (ExAC). This variant disrupts the p.Gly909 amino acid residue in COL3A1. Other variant(s) that disrupt this residue have been observed in individuals with COL3A1-related conditions (PMID: 10706896), which suggests that this may be a clinically significant amino acid residue. In summary, the currently available evidence indicates that the variant is pathogenic, but additional data are needed to prove that conclusively. Therefore, this variant has been classified as Likely Pathogenic.

Literature cited by the submitters: PubMed 8680408; PubMed 19344236; PubMed 25758994; PubMed 10706896; PubMed 24922459; PubMed 8218237; PubMed 7695699.

NM_000090.4(COL3A1):c.2726G>A (p.Gly909Asp)

Gene: COL3A1 (collagen type III alpha 1 chain; plus strand). Cytogenetic location: 2q32.2.
Variant type: single nucleotide variant.
Coding change: c.2726G>A on transcript NM_000090.4 (MANE Select); coding-DNA position 2726, G replaced by A.
Protein change: p.Gly909Asp; replaces glycine 909 with aspartic acid.
Molecular consequence: missense variant.
Genome position (GRCh38, 1-based): chr2:189,004,046, G>A. VCF-style: chr2-189004046-G-A. GRCh37 (hg19) VCF-style: chr2-189868772-G-A.
Other names: short protein forms G909D.
Identifiers: ClinVar variation 938624 (VCV000938624.1), dbSNP rs587779483, ClinGen allele CA349843941.